The following is an entry in ClinVar:

ClinVar aggregate classification (germline): Uncertain significance (1 of 4 stars; one submission).

Conditions:
Developmental and epileptic encephalopathy, 14 (DEE14). Also called: Early infantile epileptic encephalopathy 14. Identifiers: Orphanet 293181, MedGen C3554195, MONDO:0013989, OMIM 614959.
Autosomal dominant nocturnal frontal lobe epilepsy 5. Also called: KCNT1-Related Epilepsy; CILIARY DYSKINESIA, PRIMARY, 28, WITH SITUS INVERSUS; Epilepsy, nocturnal frontal lobe, 5; CILIARY DYSKINESIA, PRIMARY, 28, WITHOUT SITUS INVERSUS. Identifiers: Orphanet 98784, MedGen C3554306, MONDO:0014002, OMIM 615005.

Allele frequency attached by ClinVar (database versions not stated): gnomAD exomes below 0.00001.
gnomAD v4.1: 1 of 1,613,740 alleles (0.000062%); highest among the groups gnomAD compares: Non-Finnish European, 0.000085%; no homozygotes.

Submission:

Labcorp Genetics (formerly Invitae), Labcorp
Classification: Uncertain significance for Autosomal dominant nocturnal frontal lobe epilepsy 5; Developmental and epileptic encephalopathy, 14. Last evaluated: 2022-07-25. Review status: criteria provided, single submitter. Criteria: Invitae Variant Classification Sherloc (09022015). Collection method: clinical testing. Allele origin: germline.
Comment: This sequence change replaces aspartic acid, which is acidic and polar, with glycine, which is neutral and non-polar, at codon 1194 of the KCNT1 protein (p.Asp1194Gly). This variant is not present in population databases (gnomAD no frequency). In summary, the available evidence is currently insufficient to determine the role of this variant in disease. Therefore, it has been classified as a Variant of Uncertain Significance. Advanced modeling of protein sequence and biophysical properties (such as structural, functional, and spatial information, amino acid conservation, physicochemical variation, residue mobility, and thermodynamic stability) performed at Invitae indicates that this missense variant is expected to disrupt KCNT1 protein function. ClinVar contains an entry for this variant (Variation ID: 1449589). This missense change has been observed in individual(s) with clinical features of KCNT1-related conditions (Invitae).

NM_020822.3(KCNT1):c.3581A>G (p.Asp1194Gly)

Gene: KCNT1 (potassium sodium-activated channel subfamily T member 1; plus strand). Cytogenetic location: 9q34.3.
Variant type: single nucleotide variant.
Coding change: c.3581A>G on transcript NM_020822.3 (MANE Select); coding-DNA position 3581, A replaced by G.
Protein change: p.Asp1194Gly; replaces aspartic acid 1194 with glycine.
Molecular consequence: missense variant.
Genome position (GRCh38, 1-based): chr9:135,791,875, A>G. VCF-style: chr9-135791875-A-G. GRCh37 (hg19) VCF-style: chr9-138683721-A-G.
Other names: c.3509A>G, p.Asp1170Gly (NM_001272003.2); short protein forms D1194G, D1170G.
Identifiers: ClinVar variation 1449589 (VCV001449589.9), dbSNP rs2131604934, ClinGen allele CA375494083.